The following is an entry in ClinVar:

ClinVar aggregate classification (germline): Uncertain significance (1 of 4 stars; one submission).

Allele frequency attached by ClinVar (database versions not stated): gnomAD 0.00003; TOPMed 0.00003; ExAC 0.00004; gnomAD exomes 0.00004 and 0.00005.
gnomAD v4.1: 64 of 1,598,456 alleles (0.004%); highest among the groups gnomAD compares: South Asian, 0.026%; no homozygotes.

Submission:

GeneDx
Classification: Uncertain significance. Last evaluated: 2020-07-09. Review status: criteria provided, single submitter. Criteria: GeneDx Variant Classification Process June 2021. Collection method: clinical testing. Allele origin: germline. Affected: yes.
Comment: Not observed at a significant frequency in large population cohorts (Lek et al., 2016); In silico analysis supports that this missense variant does not alter protein structure/function; Has not been previously published as pathogenic or benign to our knowledge

NM_058172.6(ANTXR2):c.746G>A (p.Arg249Gln)

Gene: ANTXR2 (ANTXR cell adhesion molecule 2; minus strand). Cytogenetic location: 4q21.21.
Variant type: single nucleotide variant.
Coding change: c.746G>A on transcript NM_058172.6 (MANE Select); coding-DNA position 746, G replaced by A.
Protein change: p.Arg249Gln; replaces arginine 249 with glutamine.
Molecular consequence: missense variant.
Genome position (GRCh38, 1-based): chr4:80,033,522, C>T on the plus strand (G>A on the coding strand, the complement: ANTXR2 is on the minus strand). VCF-style: chr4-80033522-C-T. GRCh37 (hg19) VCF-style: chr4-80954676-C-T.
Other names: c.746G>A, p.Arg249Gln (NM_001145794.2); c.515G>A, p.Arg172Gln (NM_001286780.2, NM_001286781.2); short protein forms R172Q, R249Q.
Identifiers: ClinVar variation 1313056 (VCV001313056.2), dbSNP rs764149126, ClinGen allele CA2981854.